The following is an entry in ClinVar:

ClinVar aggregate classification (germline): Uncertain significance (1 of 4 stars; one submission).

Conditions:
Familial cancer of breast. Also called: BREAST CANCER, FAMILIAL; Hereditary breast cancer; hereditary breast carcinoma. Identifiers: Orphanet 227535, MedGen C0346153, MONDO:0016419, OMIM 114480. Disease mechanism: loss of function.

Submission:

Labcorp Genetics (formerly Invitae), Labcorp
Classification: Uncertain significance for Familial cancer of breast. Last evaluated: 2023-09-15. Review status: criteria provided, single submitter. Criteria: Invitae Variant Classification Sherloc (09022015). Collection method: clinical testing. Allele origin: germline.
Comment: This sequence change replaces alanine, which is neutral and non-polar, with threonine, which is neutral and polar, at codon 198 of the BARD1 protein (p.Ala198Thr). This variant is not present in population databases (gnomAD no frequency). This variant has not been reported in the literature in individuals affected with BARD1-related conditions. ClinVar contains an entry for this variant (Variation ID: 530180). Algorithms developed to predict the effect of missense changes on protein structure and function output the following: SIFT: "Not Available"; PolyPhen-2: "Benign"; Align-GVGD: "Not Available". The threonine amino acid residue is found in multiple mammalian species, which suggests that this missense change does not adversely affect protein function. In summary, the available evidence is currently insufficient to determine the role of this variant in disease. Therefore, it has been classified as a Variant of Uncertain Significance.

NM_000465.4(BARD1):c.592G>A (p.Ala198Thr)

Gene: BARD1 (BRCA1 associated RING domain 1; minus strand). Cytogenetic location: 2q35.
Variant type: single nucleotide variant.
Coding change: c.592G>A on transcript NM_000465.4 (MANE Select); coding-DNA position 592, G replaced by A.
Protein change: p.Ala198Thr; replaces alanine 198 with threonine.
Molecular consequence: missense variant. On other transcripts: non-coding transcript variant (2), intron variant (3).
Genome position (GRCh38, 1-based): chr2:214,781,282, C>T on the plus strand (G>A on the coding strand, the complement: BARD1 is on the minus strand). VCF-style: chr2-214781282-C-T. GRCh37 (hg19) VCF-style: chr2-215646006-C-T.
Other names: c.535G>A, p.Ala179Thr (NM_001282543.2); c.158+28130G>A (NM_001282548.2); c.215+15779G>A (NM_001282545.2); c.364+11015G>A (NM_001282549.2); short protein forms A198T, A179T.
Identifiers: ClinVar variation 530180 (VCV000530180.9), dbSNP rs748834249, ClinGen allele CA350456789.